The following is an entry in ClinVar:

ClinVar aggregate classification (germline): Uncertain significance (1 of 4 stars; one submission).

Conditions:
Alstrom syndrome (ALMS). Identifiers: Orphanet 64, MedGen C0268425, MONDO:0008763, OMIM 203800.

Submission:

Labcorp Genetics (formerly Invitae), Labcorp
Classification: Uncertain significance for Alstrom syndrome. Last evaluated: 2023-03-23. Review status: criteria provided, single submitter. Criteria: Invitae Variant Classification Sherloc (09022015). Collection method: clinical testing. Allele origin: germline.
Comment: This sequence change replaces glutamic acid, which is acidic and polar, with glycine, which is neutral and non-polar, at codon 2325 of the ALMS1 protein (p.Glu2325Gly). This variant is not present in population databases (gnomAD no frequency). This variant has not been reported in the literature in individuals affected with ALMS1-related conditions. ClinVar contains an entry for this variant (Variation ID: 1999300). Experimental studies and prediction algorithms are not available or were not evaluated, and the functional significance of this variant is currently unknown. In summary, the available evidence is currently insufficient to determine the role of this variant in disease. Therefore, it has been classified as a Variant of Uncertain Significance.

NM_001378454.1(ALMS1):c.6971A>G (p.Glu2324Gly)

Gene: ALMS1 (ALMS1 centrosome and basal body associated protein; plus strand). Cytogenetic location: 2p13.1.
Variant type: single nucleotide variant.
Coding change: c.6971A>G on transcript NM_001378454.1 (MANE Select); coding-DNA position 6971, A replaced by G.
Protein change: p.Glu2324Gly; replaces glutamic acid 2324 with glycine.
Molecular consequence: missense variant.
Genome position (GRCh38, 1-based): chr2:73,453,498, A>G. VCF-style: chr2-73453498-A-G. GRCh37 (hg19) VCF-style: chr2-73680625-A-G.
Other names: c.6974A>G, p.Glu2325Gly (NM_015120.4); short protein forms E2324G, E2325G.
Identifiers: ClinVar variation 1999300 (VCV001999300.4), dbSNP rs2466110881, ClinGen allele CA347290315.